The following is an entry in ClinVar:

ClinVar aggregate classification (germline): Likely benign. Review status: criteria provided, multiple submitters, no conflicts (2 of 4 stars). 4 submissions from 4 submitters: Likely benign (3). 1 of the submissions does not count toward it. Last evaluated 2025-07-21.

Conditions:
Hereditary cancer-predisposing syndrome. Also called: Tumor predisposition; Neoplastic Syndromes, Hereditary; Hereditary Cancer Syndrome; Hereditary neoplastic syndrome. Identifiers: Orphanet 140162, MedGen C0027672, MeSH D009386, MONDO:0015356.
Hereditary breast ovarian cancer syndrome. Also called: Hereditary breast and ovarian cancer; Hereditary breast and ovarian cancer syndrome (HBOC); BRCA1- and BRCA2-Associated Hereditary Breast and Ovarian Cancer; Breast and ovarian cancer; Hereditary breast and ovarian cancer syndrome; Hereditary breast and/or ovarian cancer syndrome. Identifiers: Orphanet 145, MedGen C0677776, MeSH D061325, MONDO:0003582. Disease mechanism: loss of function.
Breast-ovarian cancer, familial, susceptibility to, 2 (BROVCA2). Also called: BRCA2 Hereditary Breast and Ovarian Cancer. Identifiers: Orphanet 145, MedGen C2675520, MONDO:0012933, OMIM 612555. Disease mechanism: loss of function.

Allele frequency attached by ClinVar (database versions not stated): gnomAD exomes below 0.00001.
gnomAD v4.1: 6 of 1,608,010 alleles (0.00037%); highest among the groups gnomAD compares: East Asian, 0.013%; no homozygotes.

Submissions (4):

Labcorp Genetics (formerly Invitae), Labcorp
Classification: Likely benign for Hereditary breast ovarian cancer syndrome. Last evaluated: 2025-07-21. Review status: criteria provided, single submitter. Criteria: Invitae Variant Classification Sherloc (09022015). Collection method: clinical testing. Allele origin: germline.

Women's Health and Genetics/Laboratory Corporation of America, LabCorp
Classification: Likely benign. Last evaluated: 2019-11-08. Review status: criteria provided, single submitter. Criteria: LabCorp Variant Classification Summary - May 2015. Collection method: clinical testing. Allele origin: germline.
Comment: Variant summary: BRCA2 c.475+14C>T alters a non-conserved nucleotide located close to a canonical splice site and therefore could affect mRNA splicing, leading to a significantly altered protein sequence. 4/4 computational tools predict no significant impact on normal splicing. However, these predictions have yet to be confirmed by functional studies. The variant allele was found at a frequency of 3e-05 in 262798 control chromosomes. The available data on variant occurrences in the general population are insufficient to allow any conclusion about variant significance. c.475+14C>T has been reported in the literature in sequencing studies of individuals affected with Hereditary Breast and Ovarian Cancer (Barrios_2017) as well as the general population of Japanese individuals (Ahmadloo_2017, jMorp database, and HGVC-Kyoto database). These report(s) do not provide unequivocal conclusions about association of the variant with Hereditary Breast and Ovarian Cancer. To our knowledge, no experimental evidence demonstrating an impact on protein function has been reported. Three clinical diagnostic laboratories have submitted clinical-significance assessments for this variant to ClinVar after 2014 without evidence for independent evaluation. All laboratories classified the variant as likely benign. Based on the evidence outlined above, and no emerging evidence supporting a pathogenic outcome since its original classification at our laboratory, the variant was re-classified as likely benign.

Color Diagnostics, LLC DBA Color Health
Classification: Likely benign for Hereditary cancer-predisposing syndrome. Last evaluated: 2017-02-28. Review status: criteria provided, single submitter. Criteria: ACMG Guidelines, 2015. Collection method: clinical testing. Allele origin: germline.

Counsyl
Classification: Likely benign for Breast-ovarian cancer, familial, susceptibility to, 2. Last evaluated: 2018-02-20. Review status: no assertion criteria provided. Collection method: clinical testing. Allele origin: unknown. Not counted in ClinVar's aggregate classification.

Literature cited by the submitters: PubMed 28179634 (cited by Women's Health and Genetics/Laboratory Corporation of America, LabCorp); PubMed 28477318 (cited by Women's Health and Genetics/Laboratory Corporation of America, LabCorp and Counsyl).

NM_000059.4(BRCA2):c.475+14C>T

Gene: BRCA2 (BRCA2 DNA repair associated; plus strand). Cytogenetic location: 13q13.1.
Variant type: single nucleotide variant.
Coding change: c.475+14C>T on transcript NM_000059.4 (MANE Select); 14 bases into the intron after coding-DNA position 475, C replaced by T.
Molecular consequence: intron variant.
Genome position (GRCh38, 1-based): chr13:32,326,164, C>T. VCF-style: chr13-32326164-C-T. GRCh37 (hg19) VCF-style: chr13-32900301-C-T.
Identifiers: ClinVar variation 491280 (VCV000491280.14), dbSNP rs55698822, ClinGen allele CA247488397.